The following is an entry in ClinVar:

NM_007348.4(ATF6):c.881A>G (p.Gln294Arg)

Gene: ATF6 (activating transcription factor 6; plus strand). Cytogenetic location: 1q23.3.
Variant type: single nucleotide variant.
Coding change: c.881A>G on transcript NM_007348.4 (MANE Select); coding-DNA position 881, A replaced by G.
Protein change: p.Gln294Arg; replaces glutamine 294 with arginine.
Molecular consequence: missense variant.
Genome position (GRCh38, 1-based): chr1:161,802,244, A>G. VCF-style: chr1-161802244-A-G. GRCh37 (hg19) VCF-style: chr1-161772034-A-G.
Other names: short protein forms Q294R.
Identifiers: ClinVar variation 1043287 (VCV001043287.6), dbSNP rs79010144, ClinGen allele CA1214305.

ClinVar aggregate classification (germline): Uncertain significance. Review status: criteria provided, multiple submitters, no conflicts (2 of 4 stars). 2 submissions from 2 submitters: Uncertain significance (2). Last evaluated 2023-04-14.

Allele frequency attached by ClinVar (database versions not stated): ExAC 0.00001; gnomAD exomes 0.00001; TOPMed 0.00001; gnomAD 0.00002 and 0.00003; 1000 Genomes Project 0.00020; 1000 Genomes Project 30x 0.00031.
gnomAD v4.1: 15 of 1,614,024 alleles (0.00093%); highest among the groups gnomAD compares: Admixed American, 0.005%; no homozygotes.

Submissions (2):

Blueprint Genetics
Classification: Uncertain significance. Last evaluated: 2023-04-14. Review status: criteria provided, single submitter. Criteria: ACMG Guidelines, 2015. Collection method: clinical testing. Allele origin: germline.

Labcorp Genetics (formerly Invitae), Labcorp
Classification: Uncertain significance. Last evaluated: 2020-02-03. Review status: criteria provided, single submitter. Criteria: Invitae Variant Classification Sherloc (09022015). Collection method: clinical testing. Allele origin: germline.
Comment: In summary, the available evidence is currently insufficient to determine the role of this variant in disease. Therefore, it has been classified as a Variant of Uncertain Significance. Algorithms developed to predict the effect of missense changes on protein structure and function (SIFT, PolyPhen-2, Align-GVGD) all suggest that this variant is likely to be tolerated, but these predictions have not been confirmed by published functional studies and their clinical significance is uncertain. This variant has not been reported in the literature in individuals with ATF6-related conditions. This variant is present in population databases (rs79010144, ExAC 0.002%). This sequence change replaces glutamine with arginine at codon 294 of the ATF6 protein (p.Gln294Arg). The glutamine residue is moderately conserved and there is a small physicochemical difference between glutamine and arginine.